The following is an entry in ClinVar:

NM_024596.5(MCPH1):c.2215-2_2253dup

Genes: MCPH1 (microcephalin 1; plus strand), MCPH1-AS1 (MCPH1 antisense RNA 1; minus strand). Cytogenetic location: 8p23.1.
Variant type: Duplication.
Coding change: c.2215-2_2253dup on transcript NM_024596.5 (MANE Select); the canonical splice acceptor site of the intron before coding-DNA position 2215 through coding-DNA position 2253, 41 bases duplicated.
Molecular consequence: splice acceptor variant. On other transcripts: non-coding transcript variant (1).
Genome position (GRCh38, 1-based): chr8:6,621,452-6,621,492, 41 bases duplicated; duplicating any 41 consecutive bases within chr8:6,621,450-6,621,492 gives the same sequence; the c. name uses the placement nearest the transcript's 3' end. GRCh37 (hg19): chr8:6,478,973-6,479,013.
Other names: c.2215-2_2253dup (NM_001322042.2, NM_001363979.1); c.1936-2_1974dup (NM_001363980.2).
Identifiers: ClinVar variation 1947991 (VCV001947991.2), dbSNP rs1350069892, ClinGen allele CA580028249.
Genomic context (GRCh38, chr8:6,621,449, plus strand): 5'-TTCGCCTACGCTATGGAGACTGGAGTGGTCCCACCTCTGTAATTCTATCTCTGTCTGCCC[C>CACAGCTGTGCCGAAGCGAGTGCCACTTGTCTGCAGGGCCGT]ACAGCTGTGCCGAAGCGAGTGCCACTTGTCTGCAGGGCCGTACCGCGGAACCCTCTTTGC-3'

ClinVar aggregate classification (germline): Uncertain significance (1 of 4 stars; one submission).

Submission:

Labcorp Genetics (formerly Invitae), Labcorp
Classification: Uncertain significance. Last evaluated: 2022-04-06. Review status: criteria provided, single submitter. Criteria: Invitae Variant Classification Sherloc (09022015). Collection method: clinical testing. Allele origin: germline.
Comment: This sequence change falls in intron 12 of the MCPH1 gene. It does not directly change the encoded amino acid sequence of the MCPH1 protein. This variant is present in population databases (no rsID available, gnomAD 0.0009%). This variant has not been reported in the literature in individuals affected with MCPH1-related conditions. This variant is also known as p.Arg752Serfs*41. Algorithms developed to predict the effect of sequence changes on RNA splicing suggest that this variant may disrupt the consensus splice site. In summary, the available evidence is currently insufficient to determine the role of this variant in disease. Therefore, it has been classified as a Variant of Uncertain Significance.